The following is an entry in ClinVar:

ClinVar aggregate classification (germline): Conflicting classifications of pathogenicity. Review status: criteria provided, conflicting classifications (1 of 4 stars). 4 submissions from 4 submitters: Uncertain significance (3); Likely benign (1). Last evaluated 2025-11-25.

Conditions:
MAK-related disorder. Also called: MAK-related condition.
Inborn genetic diseases. Identifiers: MedGen C0950123, MeSH D030342.

Allele frequency attached by ClinVar (database versions not stated): gnomAD exomes 0.00001; ESP Exome Variant Server 0.00008; gnomAD 0.00014 and 0.00016; TOPMed 0.00020.
gnomAD v4.1: 41 of 1,613,808 alleles (0.0025%); highest among the groups gnomAD compares: African/African-American, 0.047%; no homozygotes.

Submissions (4):

PreventionGenetics, part of Exact Sciences
Classification: Uncertain significance for MAK-related condition. Last evaluated: 2025-11-25. Review status: criteria provided, single submitter. Criteria: ACMG Guidelines, 2015. Collection method: clinical testing. Allele origin: germline.
Comment: The MAK c.1820G>A variant is predicted to result in the amino acid substitution p.Arg607Gln. To our knowledge, this variant has not been reported in the literature. This variant is reported in 0.036% of alleles in individuals of African descent in gnomAD. At this time, the clinical significance of this variant is uncertain due to the absence of conclusive functional and genetic evidence.

Blueprint Genetics
Classification: Likely benign. Last evaluated: 2024-09-20. Review status: criteria provided, single submitter. Criteria: ACMG Guidelines, 2015. Collection method: clinical testing. Allele origin: germline.

Ambry Genetics
Classification: Uncertain significance for Inborn genetic diseases. Last evaluated: 2022-11-08. Review status: criteria provided, single submitter. Criteria: Ambry Variant Classification Scheme 2023. Collection method: clinical testing. Allele origin: germline.

Labcorp Genetics (formerly Invitae), Labcorp
Classification: Uncertain significance. Last evaluated: 2022-10-13. Review status: criteria provided, single submitter. Criteria: Invitae Variant Classification Sherloc (09022015). Collection method: clinical testing. Allele origin: germline.
Comment: This sequence change replaces arginine, which is basic and polar, with glutamine, which is neutral and polar, at codon 607 of the MAK protein (p.Arg607Gln). This variant is present in population databases (rs368535018, gnomAD 0.04%). This variant has not been reported in the literature in individuals affected with MAK-related conditions. ClinVar contains an entry for this variant (Variation ID: 853444). Advanced modeling of protein sequence and biophysical properties (such as structural, functional, and spatial information, amino acid conservation, physicochemical variation, residue mobility, and thermodynamic stability) performed at Invitae indicates that this missense variant is not expected to disrupt MAK protein function. Algorithms developed to predict the effect of sequence changes on RNA splicing suggest that this variant may disrupt the consensus splice site. In summary, the available evidence is currently insufficient to determine the role of this variant in disease. Therefore, it has been classified as a Variant of Uncertain Significance.

NM_001242957.3(MAK):c.1820G>A (p.Arg607Gln)

Gene: MAK (male germ cell associated kinase; minus strand). Cytogenetic location: 6p24.2.
Variant type: single nucleotide variant.
Coding change: c.1820G>A on transcript NM_001242957.3 (MANE Select); coding-DNA position 1820, G replaced by A.
Protein change: p.Arg607Gln; replaces arginine 607 with glutamine.
Molecular consequence: missense variant. On other transcripts: non-coding transcript variant (2).
Genome position (GRCh38, 1-based): chr6:10,764,579, C>T on the plus strand (G>A on the coding strand, the complement: MAK is on the minus strand). VCF-style: chr6-10764579-C-T. GRCh37 (hg19) VCF-style: chr6-10764812-C-T.
Other names: c.1625G>A, p.Arg542Gln (NM_001242385.2); c.1523G>A, p.Arg508Gln (NM_001377262.1); c.1745G>A, p.Arg582Gln (NM_005906.6); c.1745G>A (NM_005906.4); short protein forms R508Q, R607Q, R542Q, R582Q.
Identifiers: ClinVar variation 853444 (VCV000853444.6), dbSNP rs368535018, ClinGen allele CA134141069.